The following is an entry in ClinVar:

NM_000302.4(PLOD1):c.1201A>C (p.Lys401Gln)

Gene: PLOD1 (procollagen-lysine,2-oxoglutarate 5-dioxygenase 1; plus strand). Cytogenetic location: 1p36.22.
Variant type: single nucleotide variant.
Coding change: c.1201A>C on transcript NM_000302.4 (MANE Select); coding-DNA position 1201, A replaced by C.
Protein change: p.Lys401Gln; replaces lysine 401 with glutamine.
Molecular consequence: missense variant.
Genome position (GRCh38, 1-based): chr1:11,963,635, A>C. VCF-style: chr1-11963635-A-C. GRCh37 (hg19) VCF-style: chr1-12023692-A-C.
Other names: c.1342A>C, p.Lys448Gln (NM_001316320.2); short protein forms K401Q, K448Q.
Identifiers: ClinVar variation 4139852 (VCV004139852.1).

ClinVar aggregate classification (germline): Uncertain significance (1 of 4 stars; one submission).

Conditions:
Familial thoracic aortic aneurysm and aortic dissection (TAAD). Also called: Thoracic aortic aneurysms and dissections. Identifiers: Orphanet 91387, MedGen C4707243, MONDO:0019625.

Submission:

Ambry Genetics
Classification: Uncertain significance for Familial thoracic aortic aneurysm and aortic dissection. Last evaluated: 2025-08-03. Review status: criteria provided, single submitter. Criteria: Ambry Variant Classification Scheme 2023. Collection method: clinical testing. Allele origin: germline.
Comment: The p.K401Q variant (also known as c.1201A>C), located in coding exon 11 of the PLOD1 gene, results from an A to C substitution at nucleotide position 1201. The lysine at codon 401 is replaced by glutamine, an amino acid with similar properties. This amino acid position is conserved. In addition, the in silico prediction for this alteration is inconclusive. Based on the available evidence, the clinical significance of this variant remains unclear.